The following is an entry in ClinVar:

ClinVar aggregate classification (germline): Pathogenic (1 of 4 stars; one submission).

Conditions:
Ornithine aminotransferase deficiency (GACR). Also called: OAT DEFICIENCY; OKT DEFICIENCY; HYPERORNITHINEMIA WITH GYRATE ATROPHY OF CHOROID AND RETINA; Ornithine ketoacid aminotransferase deficiency; Gyrate atrophy; Gyrate atrophy of choroid and retina. Identifiers: Orphanet 414, MedGen C0018425, MONDO:0009796, OMIM 258870.

Submission:

Labcorp Genetics (formerly Invitae), Labcorp
Classification: Pathogenic for Ornithine aminotransferase deficiency. Last evaluated: 2016-09-15. Review status: criteria provided, single submitter. Criteria: Invitae Variant Classification Sherloc (09022015). Collection method: clinical testing. Allele origin: germline.
Comment: While this particular variant has not been reported in the literature, loss-of-function variants in OAT are known to be pathogenic (PMID: 23076989). For these reasons, this variant has been classified as Pathogenic. This sequence change inserts 4 nucleotides in exon 2 of the OAT mRNA (c.49_52dupGGAG), causing a frameshift at codon 18. This creates a premature translational stop signal (p.Val18Glyfs*15) and is expected to result in an absent or disrupted protein product.

Literature cited by the submitters: PubMed 23076989.

NM_000274.4(OAT):c.49_52dup (p.Val18fs)

Gene: OAT (ornithine aminotransferase; minus strand). Cytogenetic location: 10q26.13.
Variant type: Duplication.
Coding change: c.49_52dup on transcript NM_000274.4 (MANE Select); coding-DNA positions 49 to 52, 4 bases duplicated (GGAG; older notation c.49_52dupGGAG).
Protein change: p.Val18fs; shifts the reading frame from valine 18.
Molecular consequence: frameshift variant. On other transcripts: intron variant (2).
Genome position (GRCh38, 1-based): chr10:124,412,120-124,412,123, CTCC duplicated on the plus strand (GGAG on the coding strand, the reverse complement: OAT is on the minus strand). VCF-style (leftmost placement, unchanged base first): chr10-124412119-A-ACTCC. GRCh37 (hg19) VCF-style: chr10-126100688-A-ACTCC.
Other names: c.49_52dup, p.Val18fs (NM_001322965.2, NM_001322966.2, NM_001322967.2 and 4 more transcripts); c.-215-3158_-215-3155dup (NM_001171814.2); c.-515-3158_-515-3155dup (NM_001322974.2); c.49_52dupGGAG (NM_000274.3); short protein forms V18fs.
Identifiers: ClinVar variation 456522 (VCV000456522.6), dbSNP rs1554867854, ClinGen allele CA658658021.